The following is an entry in ClinVar:

ClinVar aggregate classification (germline): Likely benign (1 of 4 stars; one submission).

Conditions:
SEMA7A-related disorder. Also called: SEMA7A-related condition.

gnomAD v4.1: 2 of 1,606,738 alleles (0.00012%); highest among the groups gnomAD compares: Non-Finnish European, 0.00017%; no homozygotes.

Submission:

PreventionGenetics, part of Exact Sciences
Classification: Likely benign for SEMA7A-related condition. Last evaluated: 2026-08-30. Review status: criteria provided, single submitter. Criteria: ACMG Guidelines, 2015. Collection method: clinical testing. Allele origin: germline.
Comment: This variant is classified as likely benign based on ACMG/AMP sequence variant interpretation guidelines (Richards et al. 2015 PMID: 25741868, with internal and published modifications).

NM_003612.5(SEMA7A):c.466-9C>A

Gene: SEMA7A (semaphorin 7A (JohnMiltonHagen blood group); minus strand). Cytogenetic location: 15q24.1.
Variant type: single nucleotide variant.
Coding change: c.466-9C>A on transcript NM_003612.5 (MANE Select); 9 bases into the intron before coding-DNA position 466, C replaced by A.
Molecular consequence: intron variant.
Genome position (GRCh38, 1-based): chr15:74,417,684, G>T on the plus strand (C>A on the coding strand, the complement: SEMA7A is on the minus strand). VCF-style: chr15-74417684-G-T. GRCh37 (hg19) VCF-style: chr15-74710025-G-T.
Other names: c.424-9C>A (NM_001146029.3); c.-30-9C>A (NM_001146030.3).
Identifiers: ClinVar variation 4982685 (VCV004982685.1).
Genomic context (GRCh38, chr15:74,417,684, plus strand): 5'-TGAAGGGGGCGTAGCCTCTCATCTCGCCAAGTGGCACCACAGTGCCATTCACCTGTGGGA[G>T]ATCCAGAGGGTTGGATGGCCACATAATCCCACAGCCACTGCCTCCCATGACGGCCAGTTT-3'